The following is an entry in ClinVar:

NM_000465.4(BARD1):c.54C>T (p.Asn18=)

Gene: BARD1 (BRCA1 associated RING domain 1; minus strand). Cytogenetic location: 2q35.
Variant type: single nucleotide variant.
Coding change: c.54C>T on transcript NM_000465.4 (MANE Select); coding-DNA position 54, C replaced by T.
Protein change: p.Asn18=; no amino-acid change (asparagine 18 retained).
Molecular consequence: synonymous variant. On other transcripts: non-coding transcript variant (3).
Genome position (GRCh38, 1-based): chr2:214,809,516, G>A on the plus strand (C>T on the coding strand, the complement: BARD1 is on the minus strand). VCF-style: chr2-214809516-G-A. GRCh37 (hg19) VCF-style: chr2-215674240-G-A.
Other names: c.54C>T, p.Asn18= (NM_001282543.2, NM_001282545.2, NM_001282548.2 and 1 more transcripts).
Identifiers: ClinVar variation 825779 (VCV000825779.8), dbSNP rs587780032, ClinGen allele CA2090531.

ClinVar aggregate classification (germline): Benign/Likely benign. Review status: criteria provided, multiple submitters, no conflicts (2 of 4 stars). 3 submissions from 3 submitters: Benign (1); Likely benign (2). Last evaluated 2024-07-18.

Conditions:
Hereditary cancer-predisposing syndrome. Also called: Neoplastic Syndromes, Hereditary; Tumor predisposition; Hereditary neoplastic syndrome; Hereditary Cancer Syndrome. Identifiers: Orphanet 140162, MedGen C0027672, MeSH D009386, MONDO:0015356.
Familial cancer of breast. Also called: BREAST CANCER, FAMILIAL; Hereditary breast cancer; hereditary breast carcinoma. Identifiers: Orphanet 227535, MedGen C0346153, MONDO:0016419, OMIM 114480. Disease mechanism: loss of function.

gnomAD v4.1: 4 of 1,596,360 alleles (0.00025%); highest among the groups gnomAD compares: Non-Finnish European, 0.00034%; no homozygotes.

Submissions (3):

Myriad Genetics, Inc.
Classification: Benign for Familial cancer of breast. Last evaluated: 2024-07-18. Review status: criteria provided, single submitter. Criteria: Myriad Autosomal Dominant, Autosomal Recessive and X-Linked Classification Criteria (2023). Collection method: clinical testing. Allele origin: unknown.
Comment: This variant is considered benign. This variant is a silent/synonymous amino acid change and it is not expected to impact splicing.

Labcorp Genetics (formerly Invitae), Labcorp
Classification: Likely benign for Familial cancer of breast. Last evaluated: 2023-06-12. Review status: criteria provided, single submitter. Criteria: Invitae Variant Classification Sherloc (09022015). Collection method: clinical testing. Allele origin: germline.

Ambry Genetics
Classification: Likely benign for Hereditary cancer-predisposing syndrome. Last evaluated: 2019-01-02. Review status: criteria provided, single submitter. Criteria: Ambry Variant Classification Scheme 2023. Collection method: clinical testing. Allele origin: germline.